The following is an entry in ClinVar:

NM_001385562.1(ARPP21):c.1688C>T (p.Pro563Leu)

Gene: ARPP21 (cAMP regulated phosphoprotein 21; plus strand). Cytogenetic location: 3p22.3.
Variant type: single nucleotide variant.
Coding change: c.1688C>T on transcript NM_001385562.1 (MANE Select); coding-DNA position 1688, C replaced by T.
Protein change: p.Pro563Leu; replaces proline 563 with leucine.
Molecular consequence: missense variant. On other transcripts: non-coding transcript variant (8), intron variant (1).
Genome position (GRCh38, 1-based): chr3:35,738,257, C>T. VCF-style: chr3-35738257-C-T. GRCh37 (hg19) VCF-style: chr3-35779749-C-T.
Other names: c.1586C>T, p.Pro529Leu (NM_001385484.1, NM_001385485.1, NM_001385486.1 and 5 more transcripts); c.1526C>T, p.Pro509Leu (NM_001385488.1, NM_001385489.1, NM_001385492.1 and 9 more transcripts); c.1688C>T, p.Pro563Leu (NM_001385490.1, NM_001385593.1, NM_001385594.1 and 1 more transcripts); c.1382C>T, p.Pro461Leu (NM_001385491.1); c.1520C>T, p.Pro507Leu (NM_001385566.1); c.1628C>T, p.Pro543Leu (NM_001385567.1, NM_001385558.1, NM_001385589.1 and 1 more transcripts); c.1529C>T, p.Pro510Leu (NM_001385573.1, NM_001385563.1, NM_001385582.1 and 1 more transcripts); c.1691C>T, p.Pro564Leu (NM_001385595.1); and 6 more; short protein forms P416L, P461L, P503L, P506L, P507L, P509L, P510L, P528L.
Identifiers: ClinVar variation 4882523 (VCV004882523.2).

ClinVar aggregate classification (germline): Likely pathogenic (1 of 4 stars; one submission).

gnomAD v4.1: 4 of 1,536,356 alleles (0.00026%); highest among the groups gnomAD compares: Non-Finnish European, 0.00035%; no homozygotes.

Submission:

Dasa
Classification: Likely pathogenic. Last evaluated: 2025-10-31. Review status: criteria provided, single submitter. Criteria: DASA Assertion Criteria. Collection method: clinical testing. Allele origin: germline.
Comment: NM_001385562.1(ARPP21):c.1688C>T (p.Pro563Leu) is a missense variant that results in the substitution of proline with leucine. This variant has been recurrently observed in individuals with ARPP21-related disorders (PMID: 30811981; PMID: 38960585). Segregation data support an association with disease in the reported family/families (PMID: 30811981; PMID: 38960585). Also, this variant is rare in population databases. Based on the currently available evidence, this variant is classified as likely pathogenic.

Literature cited by the submitters: PubMed 30811981; PubMed 38960585.